The following is an entry in ClinVar:

NM_015346.4(ZFYVE26):c.5222-2A>G

Gene: ZFYVE26 (zinc finger FYVE-type containing 26; minus strand). Cytogenetic location: 14q24.1.
Variant type: single nucleotide variant.
Coding change: c.5222-2A>G on transcript NM_015346.4 (MANE Select); the canonical splice acceptor site of the intron before coding-DNA position 5222, A replaced by G.
Molecular consequence: splice acceptor variant.
Genome position (GRCh38, 1-based): chr14:67,775,116, T>C on the plus strand (A>G on the coding strand, the complement: ZFYVE26 is on the minus strand). VCF-style: chr14-67775116-T-C. GRCh37 (hg19) VCF-style: chr14-68241833-T-C.
Identifiers: ClinVar variation 3705212 (VCV003705212.2).
Genomic context (GRCh38, chr14:67,775,116, plus strand): 5'-AGGGAGGGTCTCGGGATCTGCAGCCTGGTGGACAATTTCTTGGAGGTGAATCACAGAATC[T>C]GTAGAGAGGGAAAATGCTGACAAAATATGGTTCTACCATAAGTATCTTGATTCACCACCC-3'

ClinVar aggregate classification (germline): Likely pathogenic (1 of 4 stars; one submission).

Conditions:
Spastic paraplegia. Identifiers: MedGen C0037772, HP:0001258.

Submission:

Labcorp Genetics (formerly Invitae), Labcorp
Classification: Likely pathogenic for Spastic paraplegia. Last evaluated: 2024-02-08. Review status: criteria provided, single submitter. Criteria: Invitae Variant Classification Sherloc (09022015). Collection method: clinical testing. Allele origin: germline.
Comment: This sequence change affects an acceptor splice site in intron 26 of the ZFYVE26 gene. It is expected to disrupt RNA splicing. Variants that disrupt the donor or acceptor splice site typically lead to a loss of protein function (PMID: 16199547), and loss-of-function variants in ZFYVE26 are known to be pathogenic (PMID: 18394578, 19805727). This variant is not present in population databases (gnomAD no frequency). This variant has not been reported in the literature in individuals affected with ZFYVE26-related conditions. Algorithms developed to predict the effect of sequence changes on RNA splicing suggest that this variant may disrupt the consensus splice site. In summary, the currently available evidence indicates that the variant is pathogenic, but additional data are needed to prove that conclusively. Therefore, this variant has been classified as Likely Pathogenic.

Literature cited by the submitters: PubMed 16199547; PubMed 18394578; PubMed 19805727.